The following is an entry in ClinVar:

NM_000057.4(BLM):c.3171_3172insT (p.His1058fs)

Gene: BLM (BLM RecQ like helicase; plus strand). Cytogenetic location: 15q26.1.
Variant type: Insertion.
Coding change: c.3171_3172insT on transcript NM_000057.4 (MANE Select); coding-DNA positions 3171 to 3172, T inserted.
Protein change: p.His1058fs; shifts the reading frame from histidine 1058.
Molecular consequence: frameshift variant.
Genome position: GRCh38 VCF-style: chr15-90794318-A-AT. GRCh37 (hg19) VCF-style: chr15-91337548-A-AT.
Other names: c.3171_3172insT, p.His1058fs (NM_001287246.2, NM_001287247.2); c.2046_2047insT, p.His683fs (NM_001287248.2); short protein forms H1058fs, H683fs.
Identifiers: ClinVar variation 2743657 (VCV002743657.3), dbSNP rs2505525604, ClinGen allele CA2697549392.

ClinVar aggregate classification (germline): Pathogenic (1 of 4 stars; one submission).

Conditions:
Bloom syndrome (BLM). Also called: Bloom-Torre-Machacek syndrome. Identifiers: Orphanet 125, MedGen C0005859, MONDO:0008876, OMIM 210900.

Submission:

Labcorp Genetics (formerly Invitae), Labcorp
Classification: Pathogenic for Bloom syndrome. Last evaluated: 2024-01-22. Review status: criteria provided, single submitter. Criteria: Invitae Variant Classification Sherloc (09022015). Collection method: clinical testing. Allele origin: germline.
Comment: This sequence change creates a premature translational stop signal (p.His1058Serfs*7) in the BLM gene. It is expected to result in an absent or disrupted protein product. Loss-of-function variants in BLM are known to be pathogenic (PMID: 17407155). This variant is not present in population databases (gnomAD no frequency). This variant has not been reported in the literature in individuals affected with BLM-related conditions. For these reasons, this variant has been classified as Pathogenic.

Literature cited by the submitters: PubMed 17407155.